The following is an entry in ClinVar:

NM_000466.3(PEX1):c.786G>A (p.Glu262=)

Gene: PEX1 (peroxisomal biogenesis factor 1; minus strand). Cytogenetic location: 7q21.2.
Variant type: single nucleotide variant.
Coding change: c.786G>A on transcript NM_000466.3 (MANE Select); coding-DNA position 786, G replaced by A.
Protein change: p.Glu262=; no amino-acid change (glutamic acid 262 retained).
Molecular consequence: synonymous variant.
Genome position (GRCh38, 1-based): chr7:92,517,729, C>T on the plus strand (G>A on the coding strand, the complement: PEX1 is on the minus strand). VCF-style: chr7-92517729-C-T. GRCh37 (hg19) VCF-style: chr7-92147043-C-T.
Other names: c.786G>A (NM_000466.2); c.786G>A, p.Glu262= (NM_001282677.2); c.162G>A, p.Glu54= (NM_001282678.2).
Identifiers: ClinVar variation 1146507 (VCV001146507.11), dbSNP rs770453102, ClinGen allele CA4341541.

ClinVar aggregate classification (germline): Likely benign. Review status: criteria provided, multiple submitters, no conflicts (2 of 4 stars). 3 submissions from 3 submitters: Likely benign (3). Last evaluated 2025-08-08.

Conditions:
PEX1-related disorder. Also called: PEX1-related condition.
Zellweger spectrum disorders (ZS). Also called: Zellweger syndrome; Zellweger Spectrum Disorder; Zellweger Spectrum; Zellweger Spectrum Disorder (ZSD). Identifiers: Orphanet 912, MedGen C0043459, MONDO:0019609.

Allele frequency attached by ClinVar (database versions not stated): gnomAD 0.00013 and 0.00014; TOPMed 0.00014; gnomAD exomes 0.00001 and 0.00002; ExAC 0.00003.
gnomAD v4.1: 28 of 1,609,982 alleles (0.0017%); highest among the groups gnomAD compares: African/African-American, 0.035%; no homozygotes.

Submissions (3):

PreventionGenetics, part of Exact Sciences
Classification: Likely benign for PEX1-related condition. Last evaluated: 2025-08-08. Review status: criteria provided, single submitter. Criteria: ACMG Guidelines, 2015. Collection method: clinical testing. Allele origin: germline.
Comment: This variant is classified as likely benign based on ACMG/AMP sequence variant interpretation guidelines (Richards et al. 2015 PMID: 25741868, with internal and published modifications).

Labcorp Genetics (formerly Invitae), Labcorp
Classification: Likely benign for Zellweger spectrum disorders. Last evaluated: 2025-03-17. Review status: criteria provided, single submitter. Criteria: Invitae Variant Classification Sherloc (09022015). Collection method: clinical testing. Allele origin: germline.

Blueprint Genetics
Classification: Likely benign. Last evaluated: 2024-03-13. Review status: criteria provided, single submitter. Criteria: ACMG Guidelines, 2015. Collection method: clinical testing. Allele origin: germline.